The following is an entry in ClinVar:

ClinVar aggregate classification (germline): Pathogenic (1 of 4 stars; one submission).

Submission:

GeneDx
Classification: Pathogenic. Last evaluated: 2017-07-04. Review status: criteria provided, single submitter. Criteria: GeneDx Variant Classification (06012015). Collection method: clinical testing. Allele origin: germline. Affected: yes.
Comment: The Q502X variant in the DYM gene has not been reported previously as a disease-causing variant nor as a benign polymorphism, to our knowledge. This variant is predicted to cause loss of normal protein function either through protein truncation or nonsense-mediated mRNA decay. The Q502X variant was not observed in approximately 6,500 individuals of European and African American ancestry in the NHLBI Exome Sequencing Project, indicating it is not a common benign variant in these populations. We interpret Q502X as a pathogenic variant.

NM_001353214.3(DYM):c.1669C>T (p.Gln557Ter)

Gene: DYM (dymeclin; minus strand). Cytogenetic location: 18q21.1.
Variant type: single nucleotide variant.
Coding change: c.1669C>T on transcript NM_001353214.3 (MANE Select); coding-DNA position 1669, C replaced by T.
Protein change: p.Gln557Ter; replaces glutamine 557 with a stop codon.
Molecular consequence: nonsense.
Genome position (GRCh38, 1-based): chr18:49,163,744, G>A on the plus strand (C>T on the coding strand, the complement: DYM is on the minus strand). VCF-style: chr18-49163744-G-A. GRCh37 (hg19) VCF-style: chr18-46690114-G-A.
Other names: c.1501C>T, p.Gln501Ter (NM_001353210.3, NM_001353211.3, NM_001374435.1 and 1 more transcripts); c.1666C>T, p.Gln556Ter (NM_001353212.3, NM_001353213.3); c.1669C>T, p.Gln557Ter (NM_001353215.3, NM_001374428.1, NM_001374430.1 and 1 more transcripts); c.1504C>T, p.Gln502Ter (NM_001353216.3, NM_001374433.1, NM_001374434.1 and 1 more transcripts); c.1663C>T, p.Gln555Ter (NM_001374429.1); c.1543C>T, p.Gln515Ter (NM_001374432.1); c.1378C>T, p.Gln460Ter (NM_001374436.1); c.1321C>T, p.Gln441Ter (NM_001374437.1); and 5 more; short protein forms Q502*, Q501*, Q557*, Q556*, Q311*, Q312*, Q367*, Q426*.
Identifiers: ClinVar variation 265106 (VCV000265106.2), dbSNP rs763380940, ClinGen allele CA10588679.